The following is an entry in ClinVar:

NM_001164508.2(NEB):c.5191dup (p.Thr1731fs)

Gene: NEB (nebulin; minus strand). Cytogenetic location: 2q23.3.
Variant type: Duplication.
Coding change: c.5191dup on transcript NM_001164508.2 (MANE Select); coding-DNA position 5191, one base duplicated (A; older notation c.5191dupA).
Protein change: p.Thr1731fs; shifts the reading frame from threonine 1731.
Molecular consequence: frameshift variant.
Genome position (GRCh38, 1-based): chr2:151,665,380, T duplicated on the plus strand (A on the coding strand, the reverse complement: NEB is on the minus strand). VCF-style (leftmost placement, unchanged base first): chr2-151665379-G-GT. GRCh37 (hg19) VCF-style: chr2-152521893-G-GT.
Other names: c.5191dup, p.Thr1731fs (NM_001164507.2, NM_001271208.2, NM_004543.5); short protein forms T1731fs.
Identifiers: ClinVar variation 1723918 (VCV001723918.2), dbSNP rs2552257802, ClinGen allele CA2580064085.

ClinVar aggregate classification (germline): Likely pathogenic (1 of 4 stars; one submission).

Conditions:
Nemaline myopathy 2 (NEM2). Also called: Nemaline myopathy 2, autosomal recessive. Identifiers: MedGen C1850569, MONDO:0009725, OMIM 256030.

Submission:

Myriad Genetics, Inc.
Classification: Likely pathogenic for Nemaline myopathy 2. Last evaluated: 2022-01-08. Review status: criteria provided, single submitter. Criteria: Myriad Women's Health Autosomal Recessive and X-Linked Classification Criteria (2021). Collection method: clinical testing. Allele origin: unknown.
Comment: NM_001271208.1(NEB):c.5191dupA(T1731Nfs*7) is expected to be pathogenic in the context of NEB-related nemaline myopathy. This variant is predicted to lead to an abnormal or absent protein product due to the creation of a premature termination codon in NEB, a gene where loss-of-function variants are known to be pathogenic. Please note: this variant was assessed in the context of healthy population screening.